The following is an entry in ClinVar:

ClinVar aggregate classification (germline): Benign. Review status: criteria provided, multiple submitters, no conflicts (2 of 4 stars). 3 submissions from 3 submitters: Benign (3). Last evaluated 2021-09-05.

Conditions:
Mitochondrial complex I deficiency, nuclear type 21. Also called: Mitochondrial complex 1 deficiency, nuclear type 21. Identifiers: MedGen C4748792, MONDO:0032625, OMIM 618242.

Allele frequency attached by ClinVar (database versions not stated): gnomAD exomes 0.02273 and 0.04265; ExAC 0.04741; gnomAD 0.12523 and 0.13387; ESP Exome Variant Server 0.12574; 1000 Genomes Project 0.13838; TOPMed 0.14357; 1000 Genomes Project 30x 0.14741.
gnomAD v4.1: 48,118 of 1,371,666 alleles (3.5%); highest among the groups gnomAD compares: African/African-American, 39%; 5,986 homozygotes.

Submissions (3):

Genome-Nilou Lab
Classification: Benign for Mitochondrial complex I deficiency, nuclear type 21. Last evaluated: 2021-09-05. Review status: criteria provided, single submitter. Criteria: ACMG Guidelines, 2015. Collection method: clinical testing. Allele origin: germline. Affected: no.

GeneDx
Classification: Benign. Last evaluated: 2018-06-16. Review status: criteria provided, single submitter. Criteria: GeneDx Variant Classification (06012015). Collection method: clinical testing. Allele origin: germline. Affected: yes.
Comment: This variant is considered likely benign or benign based on one or more of the following criteria: it is a conservative change, it occurs at a poorly conserved position in the protein, it is predicted to be benign by multiple in silico algorithms, and/or has population frequency not consistent with disease.

Breakthrough Genomics
Classification: Benign. Review status: criteria provided, single submitter. Criteria: ACMG Guidelines, 2015. Collection method: not provided. Allele origin: germline. Inheritance: Autosomal recessive inheritance. Affected: yes.

NM_025152.3(NUBPL):c.514-32A>G

Gene: NUBPL (NUBP iron-sulfur cluster assembly factor, mitochondrial; plus strand). Cytogenetic location: 14q12.
Variant type: single nucleotide variant.
Coding change: c.514-32A>G on transcript NM_025152.3 (MANE Select); 32 bases into the intron before coding-DNA position 514, A replaced by G.
Molecular consequence: intron variant.
Genome position (GRCh38, 1-based): chr14:31,787,748, A>G. VCF-style: chr14-31787748-A-G. GRCh37 (hg19) VCF-style: chr14-32256954-A-G.
Other names: c.226-32A>G (NM_001201573.2); c.-36-32A>G (NM_001201574.2).
Identifiers: ClinVar variation 671667 (VCV000671667.4), dbSNP rs7159193, ClinGen allele CA7147887.